The following is an entry in ClinVar:

ClinVar aggregate classification (germline): Uncertain significance (1 of 4 stars; one submission).

gnomAD v4.1: 19 of 1,613,276 alleles (0.0012%); highest among the groups gnomAD compares: Non-Finnish European, 0.0013%; no homozygotes.

Submission:

Labcorp Genetics (formerly Invitae), Labcorp
Classification: Uncertain significance. Last evaluated: 2024-09-17. Review status: criteria provided, single submitter. Criteria: Invitae Variant Classification Sherloc (09022015). Collection method: clinical testing. Allele origin: germline.
Comment: This sequence change replaces threonine, which is neutral and polar, with proline, which is neutral and non-polar, at codon 409 of the IL12RB2 protein (p.Thr409Pro). This variant is present in population databases (rs764563068, gnomAD 0.002%). This variant has not been reported in the literature in individuals affected with IL12RB2-related conditions. An algorithm developed to predict the effect of missense changes on protein structure and function (PolyPhen-2) suggests that this variant is likely to be disruptive. In summary, the available evidence is currently insufficient to determine the role of this variant in disease. Therefore, it has been classified as a Variant of Uncertain Significance.

NM_001374259.2(IL12RB2):c.1225A>C (p.Thr409Pro)

Gene: IL12RB2 (interleukin 12 receptor subunit beta 2; plus strand). Cytogenetic location: 1p31.3.
Variant type: single nucleotide variant.
Coding change: c.1225A>C on transcript NM_001374259.2 (MANE Select); coding-DNA position 1225, A replaced by C.
Protein change: p.Thr409Pro; replaces threonine 409 with proline.
Molecular consequence: missense variant. On other transcripts: non-coding transcript variant (2).
Genome position (GRCh38, 1-based): chr1:67,351,056, A>C. VCF-style: chr1-67351056-A-C. GRCh37 (hg19) VCF-style: chr1-67816739-A-C.
Other names: c.1225A>C, p.Thr409Pro (NM_001258214.1, NM_001258215.1, NM_001258216.1 and 2 more transcripts); short protein forms T409P.
Identifiers: ClinVar variation 3611925 (VCV003611925.2).